The following is an entry in ClinVar:

NM_198578.4(LRRK2):c.908C>T (p.Pro303Leu)

Gene: LRRK2 (leucine rich repeat kinase 2; plus strand). Cytogenetic location: 12q12.
Variant type: single nucleotide variant.
Coding change: c.908C>T on transcript NM_198578.4 (MANE Select); coding-DNA position 908, C replaced by T.
Protein change: p.Pro303Leu; replaces proline 303 with leucine.
Molecular consequence: missense variant.
Genome position (GRCh38, 1-based): chr12:40,249,895, C>T. VCF-style: chr12-40249895-C-T. GRCh37 (hg19) VCF-style: chr12-40643697-C-T.
Other names: short protein forms P303L.
Identifiers: ClinVar variation 3229806 (VCV003229806.1), dbSNP rs1318255701, ClinGen allele CA384407164.

ClinVar aggregate classification (germline): Uncertain significance (1 of 4 stars; one submission).

Conditions:
Inborn genetic diseases. Identifiers: MedGen C0950123, MeSH D030342.

Allele frequency attached by ClinVar (database versions not stated): gnomAD exomes below 0.00001.
gnomAD v4.1: 1 of 1,613,840 alleles (0.000062%); highest among the groups gnomAD compares: Admixed American, 0.0017%; no homozygotes.

Submission:

Ambry Genetics
Classification: Uncertain significance for Inborn genetic diseases. Last evaluated: 2024-02-01. Review status: criteria provided, single submitter. Criteria: Ambry Variant Classification Scheme 2023. Collection method: clinical testing. Allele origin: germline.
Comment: The p.P303L variant (also known as c.908C>T), located in coding exon 8 of the LRRK2 gene, results from a C to T substitution at nucleotide position 908. The proline at codon 303 is replaced by leucine, an amino acid with similar properties. This amino acid position is conserved. In addition, this alteration is predicted to be tolerated by in silico analysis. Based on the available evidence, the clinical significance of this alteration remains unclear.